The following is an entry in ClinVar:

ClinVar aggregate classification (germline): Likely pathogenic (1 of 4 stars; one submission).

Conditions:
Primary dilated cardiomyopathy (DCM). Also called: Dilated Cardiomyopathy. Identifiers: Orphanet 217604, MedGen C0007193, MeSH D002311, MONDO:0005021, HP:0001644. Inheritance: Various modes of inheritance.

Submission:

Lildballe Lab, Aarhus University Hospital
Classification: Likely pathogenic for dilated cardiomyopathy. Last evaluated: 2024-03-01. Review status: criteria provided, single submitter. Criteria: ACMG Guidelines, 2015. Collection method: research. Allele origin: germline. Affected: yes.
Comment: PVS1(vs), PM2(sup)

Literature cited by the submitters: PubMed 25741933; PubMed 39481677.

NM_001267550.2(TTN):c.68172T>G (p.Tyr22724Ter)

Genes: TTN (titin; minus strand), TTN-AS1 (TTN antisense RNA 1; plus strand), LOC126806423 (CDK7 strongly-dependent group 2 enhancer GRCh37_chr2:179443309-179444508; plus strand). Cytogenetic location: 2q31.2.
Variant type: single nucleotide variant.
Coding change: c.68172T>G on transcript NM_001267550.2 (MANE Select); coding-DNA position 68172, T replaced by G.
Protein change: p.Tyr22724Ter; replaces tyrosine 22724 with a stop codon.
Molecular consequence: nonsense.
Genome position (GRCh38, 1-based): chr2:178,578,858, A>C on the plus strand (T>G on the coding strand, the complement: TTN is on the minus strand). VCF-style: chr2-178578858-A-C. GRCh37 (hg19) VCF-style: chr2-179443585-A-C.
Other names: c.63249T>G, p.Tyr21083Ter (NM_001256850.1); c.40977T>G, p.Tyr13659Ter (NM_003319.4); c.60468T>G, p.Tyr20156Ter (NM_133378.4); c.41352T>G, p.Tyr13784Ter (NM_133432.3); c.41553T>G, p.Tyr13851Ter (NM_133437.4); short protein forms Y13659*, Y13784*, Y13851*, Y20156*, Y21083*, Y22724*.
Identifiers: ClinVar variation 3338353 (VCV003338353.1).